The following is an entry in ClinVar:

NM_032043.3(BRIP1):c.1653G>A (p.Ala551=)

Gene: BRIP1 (BRCA1 interacting DNA helicase 1; minus strand). Cytogenetic location: 17q23.2.
Variant type: single nucleotide variant.
Coding change: c.1653G>A on transcript NM_032043.3 (MANE Select); coding-DNA position 1653, G replaced by A.
Protein change: p.Ala551=; no amino-acid change (alanine 551 retained).
Molecular consequence: synonymous variant.
Genome position (GRCh38, 1-based): chr17:61,780,981, C>T on the plus strand (G>A on the coding strand, the complement: BRIP1 is on the minus strand). VCF-style: chr17-61780981-C-T. GRCh37 (hg19) VCF-style: chr17-59858342-C-T.
Identifiers: ClinVar variation 184248 (VCV000184248.19), dbSNP rs750213758, ClinGen allele CA188351.

ClinVar aggregate classification (germline): Benign/Likely benign. Review status: criteria provided, multiple submitters, no conflicts (2 of 4 stars). 6 submissions from 6 submitters: Benign (1); Likely benign (5). Last evaluated 2025-09-17.

Conditions:
Hereditary cancer-predisposing syndrome. Also called: Tumor predisposition; Hereditary Cancer Syndrome; Hereditary neoplastic syndrome; Neoplastic Syndromes, Hereditary. Identifiers: Orphanet 140162, MedGen C0027672, MeSH D009386, MONDO:0015356.
Familial cancer of breast. Also called: BREAST CANCER, FAMILIAL; hereditary breast carcinoma; Hereditary breast cancer. Identifiers: Orphanet 227535, MedGen C0346153, MONDO:0016419, OMIM 114480. Disease mechanism: loss of function.
Fanconi anemia complementation group J. Also called: BRIP1-Related Fanconi Anemia. Identifiers: Orphanet 84, MedGen C1836860, MONDO:0012187, OMIM 609054.

Allele frequency attached by ClinVar (database versions not stated): gnomAD exomes below 0.00001 and 0.00001; ExAC 0.00001.
gnomAD v4.1: 10 of 1,613,850 alleles (0.00062%); highest among the groups gnomAD compares: South Asian, 0.0011%; no homozygotes.

Submissions (6):

Labcorp Genetics (formerly Invitae), Labcorp
Classification: Likely benign for Familial cancer of breast; Fanconi anemia complementation group J. Last evaluated: 2025-09-17. Review status: criteria provided, single submitter. Criteria: Invitae Variant Classification Sherloc (09022015). Collection method: clinical testing. Allele origin: germline.

Myriad Genetics, Inc.
Classification: Benign for Familial cancer of breast. Last evaluated: 2024-08-28. Review status: criteria provided, single submitter. Criteria: Myriad Autosomal Dominant, Autosomal Recessive and X-Linked Classification Criteria (2023). Collection method: clinical testing. Allele origin: unknown.
Comment: This variant is considered benign. This variant is a silent/synonymous amino acid change and it is not expected to impact splicing.

Color Diagnostics, LLC DBA Color Health
Classification: Likely benign for Hereditary cancer-predisposing syndrome. Last evaluated: 2024-03-16. Review status: criteria provided, single submitter. Criteria: ACMG Guidelines, 2015. Collection method: clinical testing. Allele origin: germline.

Sema4
Classification: Likely benign for Hereditary cancer-predisposing syndrome. Last evaluated: 2021-01-31. Review status: criteria provided, single submitter. Criteria: Sema4 Curation Guidelines. Collection method: curation. Allele origin: germline.

GeneDx
Classification: Likely benign. Last evaluated: 2016-05-02. Review status: criteria provided, single submitter. Criteria: GeneDx Variant Classification (06012015). Collection method: clinical testing. Allele origin: germline. Affected: yes.
Comment: This variant is considered likely benign or benign based on one or more of the following criteria: it is a conservative change, it occurs at a poorly conserved position in the protein, it is predicted to be benign by multiple in silico algorithms, and/or has population frequency not consistent with disease.

Ambry Genetics
Classification: Likely benign for Hereditary cancer-predisposing syndrome. Last evaluated: 2016-01-28. Review status: criteria provided, single submitter. Criteria: Ambry Variant Classification Scheme 2023. Collection method: clinical testing. Allele origin: germline.